The following is an entry in ClinVar:

ClinVar aggregate classification (germline): Pathogenic. Review status: criteria provided, single submitter (1 of 4 stars). 3 submissions from 3 submitters: Pathogenic (1). 2 of the submissions do not count toward it. Last evaluated 2016-05-05.

Conditions:
Autosomal dominant intellectual disability-craniofacial anomalies-cardiac defects syndrome (ARTHS). Also called: KAT6A syndrome; Arboleda-Tham syndrome; Mental retardation, autosomal dominant 32. Identifiers: Orphanet 457193, MedGen C4225396, MONDO:0014558, OMIM 616268.
Syndromic intellectual disability. Also called: Intellectual disability syndrome. Identifiers: Orphanet 183763, MedGen C5680525, MONDO:0000508.
Inborn genetic diseases. Identifiers: MedGen C0950123, MeSH D030342.

Submissions (3):

Ambry Genetics
Classification: Pathogenic for Inborn genetic diseases. Last evaluated: 2016-05-05. Review status: criteria provided, single submitter. Criteria: Ambry exome assertion method (8-5-2015). Collection method: clinical testing. Allele origin: germline. Affected: yes. Observed: 1 variant allele.

OMIM
Classification: Pathogenic for ARBOLEDA-THAM SYNDROME. Last evaluated: 2015-03-05. Review status: no assertion criteria provided. Collection method: literature only. Allele origin: germline. Not counted in ClinVar's aggregate classification.

Genomic Diagnostic Laboratory, Division of Genomic Diagnostics, Children's Hospital of Philadelphia
Classification: Pathogenic for Intellectual disability syndrome. Last evaluated: 2014-12-18. Review status: no assertion criteria provided. Collection method: clinical testing. Allele origin: de novo. Affected: yes. Observed: 2 variant alleles. Not counted in ClinVar's aggregate classification.
Comment: Clinical Testing

Literature cited by the submitters: PubMed 25728777 (cited by OMIM and Genomic Diagnostic Laboratory, Division of Genomic Diagnostics, Children's Hospital of Philadelphia).

NM_006766.5(KAT6A):c.3116_3117del (p.Ile1038_Ser1039insTer)

Gene: KAT6A (lysine acetyltransferase 6A; minus strand). Cytogenetic location: 8p11.21.
Variant type: Deletion.
Coding change: c.3116_3117del on transcript NM_006766.5 (MANE Select); coding-DNA positions 3116 to 3117, 2 bases deleted (CT; older notation c.3116_3117delCT).
Protein change: p.Ile1038_Ser1039insTer.
Molecular consequence: nonsense.
Genome position (GRCh38, 1-based): chr8:41,937,491-41,937,492, AG deleted on the plus strand (CT on the coding strand, the reverse complement: KAT6A is on the minus strand); deleting any 2 consecutive bases within chr8:41,937,491-41,937,493 gives the same sequence; the c. name uses the placement nearest the transcript's 3' end. VCF-style (leftmost placement, unchanged base first): chr8-41937490-CAG-C. GRCh37 (hg19) VCF-style: chr8-41795008-CAG-C.
Other names: NM_001099412.1:c.3116_3117delCT.
Identifiers: ClinVar variation 162616 (VCV000162616.6), dbSNP rs786200959, ClinGen allele CA004181.